The following is an entry in ClinVar:

ClinVar aggregate classification (germline): Conflicting classifications of pathogenicity. Review status: criteria provided, conflicting classifications (1 of 4 stars). 8 submissions from 8 submitters: Pathogenic (1); Likely pathogenic (6); Uncertain significance (1). Last evaluated 2026-10-09.

Conditions:
Cardiovascular phenotype. Identifiers: MedGen CN230736.
Arrhythmogenic cardiomyopathy with wooly hair and keratoderma. Also called: PALMOPLANTAR KERATODERMA WITH LEFT VENTRICULAR CARDIOMYOPATHY AND WOOLLY HAIR; Carvajal syndrome; Dilated cardiomyopathy with woolly hair and keratoderma; Arrhythmogenic cardiomyopathy with woolly hair and keratoderma. Identifiers: Orphanet 65282, MedGen C1854063, MONDO:0011581, OMIM 605676.
Arrhythmogenic right ventricular dysplasia 8 (ARVD8). Also called: Arrhythmogenic Right Ventricular Dysplasia/Cardiomyopathy 8; ARRHYTHMOGENIC RIGHT VENTRICULAR DYSPLASIA, FAMILIAL, 8; ARRHYTHMOGENIC RIGHT VENTRICULAR CARDIOMYOPATHY 8. Identifiers: MedGen C1843896, MONDO:0011831, OMIM 607450.
Arrhythmogenic right ventricular cardiomyopathy (ARVD). Also called: Cardiomyopathy, ARVC; Arrhythmogenic right ventricular dysplasia; Arrhythmogenic Right Ventricular Cardiomyopathy (ARVC); Arrhythmogenic cardiomyopathy. Identifiers: Orphanet 247, MedGen C0349788, MeSH D019571, MONDO:0016587. Disease mechanism: loss of function. Inheritance: Various modes of inheritance.
Cardiomyopathy (CMYO). Also called: Cardiomyopathies. Identifiers: Orphanet 167848, MedGen C0878544, MONDO:0004994, HP:0001638. Inheritance: Various modes of inheritance.

Allele frequency attached by ClinVar (database versions not stated): gnomAD exomes below 0.00001; ExAC 0.00001; TOPMed 0.00002; gnomAD 0.00001.

Submissions (9):

GeneDx
Classification: Likely pathogenic. Last evaluated: 2026-10-09. Review status: criteria provided, single submitter. Criteria: GeneDx Variant Classification Process June 2021. Collection method: clinical testing. Allele origin: germline.
Comment: Identified in a patient with DCM in published literature, but familial segregation information and additional clinical information were not included (PMID: 29892087); Not observed at significant frequency in large population cohorts (gnomAD); Canonical splice site variant predicted to result in a null allele in a gene for which loss of function is a known mechanism of disease; This variant is associated with the following publications: (PMID: 31447099, 31589614, 31402444, 33684294, 33087929, 36264615, 29892087)

Labcorp Genetics (formerly Invitae), Labcorp
Classification: Likely pathogenic for Arrhythmogenic cardiomyopathy with wooly hair and keratoderma; Arrhythmogenic right ventricular dysplasia 8. Last evaluated: 2025-08-28. Review status: criteria provided, single submitter. Criteria: Invitae Variant Classification Sherloc (09022015). Collection method: clinical testing. Allele origin: germline.
Comment: This sequence change affects a donor splice site in intron 17 of the DSP gene. It is expected to disrupt RNA splicing. Variants that disrupt the donor or acceptor splice site typically lead to a loss of protein function (PMID: 16199547), and loss-of-function variants in DSP are known to be pathogenic (PMID: 20716751, 24503780, 25227139). This variant is not present in population databases (gnomAD no frequency). Disruption of this splice site has been observed in individual(s) with DSP-related cardiomyopathy (PMID: 29892087, 36264615). ClinVar contains an entry for this variant (Variation ID: 388661). Algorithms developed to predict the effect of sequence changes on RNA splicing suggest that this variant may disrupt the consensus splice site. In summary, the currently available evidence indicates that the variant is pathogenic, but additional data are needed to prove that conclusively. Therefore, this variant has been classified as Likely Pathogenic.

Color Diagnostics, LLC DBA Color Health
Classification: Likely pathogenic for Cardiomyopathy. Last evaluated: 2025-06-09. Review status: criteria provided, single submitter. Criteria: ACMG Guidelines, 2015. Collection method: clinical testing. Allele origin: germline.
Comment: This variant causes a T to C nucleotide substitution at the +2 position of intron 17 of the DSP gene. Splice site prediction tools predict that this variant may have a significant impact on RNA splicing. Although this prediction has not been confirmed in published RNA studies, this variant is expected to result in an absent or disrupted protein product. This variant has been reported in one individual affected with dilated cardiomyopathy (PMID: 29892087), and in several individuals from population-based cohorts whose clinical information were limited (PMID: 31447099, 31589614, 33684294). This variant has been identified in 1/251420 chromosomes in the general population by the Genome Aggregation Database (gnomAD). Loss of DSP function is a known mechanism of disease. Based on the available evidence, this variant is classified as Likely Pathogenic. This variant creates an alternative donor site beginning with a GC dinucleotide. Some GC donor sites have been shown to generate variable levels of wild-type transcript (PMID: 31131953). Hence, this variant could be less penetrant than a conventional splice donor site loss variant in the BRIP1 gene. Medical management should be considered based on the individual's personal and family history.

Ambry Genetics
Classification: Uncertain significance for Cardiovascular phenotype. Last evaluated: 2024-10-09. Review status: criteria provided, single submitter. Criteria: Ambry Variant Classification Scheme 2023. Collection method: clinical testing. Allele origin: germline.
Comment: The c.2436+2T>C intronic variant results from a T to C substitution two nucleotides after coding exon 17 in the DSP gene. This variant has been reported in an individual in a dilated cardiomyopathy cohort, but clinical details were limited (Horvat C et al. Genet Med, 2019 Jan;21:133-143). This nucleotide position is highly conserved in available vertebrate species. In silico splice site analysis predicts that this alteration will weaken the native splice donor site. Alterations that disrupt the canonical splice site are expected to cause aberrant splicing, resulting in an abnormal protein or a transcript that is subject to nonsense-mediated mRNA decay; however, +2T>C alterations are capable of generating wild-type transcripts in some genomic contexts and should be interpreted with caution (Lin JH et al. Hum Mutat. 2019 10;40:1856-1873). Based on the available evidence, the clinical significance of this alteration remains unclear.

All of Us Research Program, National Institutes of Health
Classification: Likely pathogenic for Arrhythmogenic cardiomyopathy with wooly hair and keratoderma. Last evaluated: 2024-01-08. Review status: criteria provided, single submitter. Criteria: ACMG Guidelines, 2015. Collection method: clinical testing. Allele origin: germline. Inheritance: Autosomal dominant inheritance. Observed: 2 variant alleles, 2 heterozygotes.
Comment: This variant causes a T to C nucleotide substitution at the +2 position of intron 17 of the DSP gene. Splice site prediction tools predict that this variant may have a significant impact on RNA splicing. Although this prediction has not been confirmed in published RNA studies, this variant is expected to result in an absent or disrupted protein product. To our knowledge, functional studies have not been reported for this variant. This variant has been reported in one individual affected with dilated cardiomyopathy (PMID: 29892087), and in several individuals from population-based cohorts whose clinical information were limited (PMID: 31447099, 31589614, 33684294). This variant has been identified in 1/251420 chromosomes in the general population by the Genome Aggregation Database (gnomAD). Loss of DSP function is a known mechanism of disease. Based on the available evidence, this variant is classified as Likely Pathogenic.

This study involves interpretation of variants in research participants for the purpose of population health screening. Participant phenotype was not available at the time of variant classification. Additional details can be found in publication PMID: 35346344, PMCID: PMC8962531

CHEO Genetics Diagnostic Laboratory, Children's Hospital of Eastern Ontario
Classification: Pathogenic for Cardiomyopathy. Last evaluated: 2023-03-24. Review status: criteria provided, single submitter. Criteria: ACMG Guidelines, 2015. Collection method: clinical testing. Allele origin: germline.

Human Genome Sequencing Center Clinical Lab, Baylor College of Medicine
Classification: Likely pathogenic for Arrhythmogenic right ventricular dysplasia 8. Last evaluated: 2022-08-23. Review status: criteria provided, single submitter. Criteria: ACMG Guidelines, 2015. Collection method: clinical testing. Allele origin: unknown.
Comment: The c.2436+2T>C variant of the DSP gene impacts the splice donor site in intron 7. It is predicted to disrupt RNA splicing. Variants that disrupt the splice site typically lead to loss of protein function. Variants leading to loss of function in DSP have been shown to be pathogenic (PMID: 20716751, 24503780, 25227139). This variant has been reported in individuals with or at risk for cardiomyopathy (PMID: 33684294, 29892087). The frequency of this variant in the general population database (gnomAD) is rare (1/25142). ClinVar contains an entry for this variant (Variation ID: 388661). Based on the available evidence, this variant is classified as likely pathogenic.

Laboratory for Molecular Medicine, Mass General Brigham Personalized Medicine
Classification: Likely pathogenic for Arrhythmogenic right ventricular cardiomyopathy. Last evaluated: 2019-01-17. Review status: criteria provided, single submitter. Criteria: LMM Criteria. Collection method: clinical testing. Allele origin: germline. Inheritance: Autosomal dominant inheritance. Observed: 2 variant alleles.
Comment: The c.2436+2T>C variant in DSP has not been previously reported in the literatur e in individuals with cardiomyopathy, but has been reported by other clinical la boratories in ClinVar (Variation ID: 388661). It has also been identified in 1/6 6720 European chromosomes by the Genome Aggregation Database (gnomAD; dbSNP rs774514264). This variant occurs in the invarian t region (+/- 1,2) of the splice consensus sequence and is predicted to cause al tered splicing leading to an abnormal or absent protein, which is common among d isease causing DSP variants. In summary, although additional studies are require d to fully establish its clinical significance, the c.2436+2T>C variant is likel y pathogenic.

Dr. Peter K. Rogan Lab, Western University
No classification provided (evidence only). Condition: Ovarian serous cystadenocarcinoma. Review status: no classification provided. Collection method: in vitro. Allele origin: not applicable. Functional consequence: retained intron. Not counted in ClinVar's aggregate classification.

Literature cited by the submitters: PubMed 16199547 (cited by Labcorp Genetics (formerly Invitae), Labcorp); PubMed 20716751 (cited by Labcorp Genetics (formerly Invitae), Labcorp); PubMed 24503780 (cited by Labcorp Genetics (formerly Invitae), Labcorp); PubMed 25227139 (cited by Labcorp Genetics (formerly Invitae), Labcorp); PubMed 29892087 (cited by 4 submitters); PubMed 36264615 (cited by Labcorp Genetics (formerly Invitae), Labcorp and Ambry Genetics); PubMed 31131953 (cited by Color Diagnostics, LLC DBA Color Health); PubMed 31447099 (cited by Color Diagnostics, LLC DBA Color Health and All of Us Research Program, National Institutes of Health); PubMed 31589614 (cited by Color Diagnostics, LLC DBA Color Health and All of Us Research Program, National Institutes of Health); PubMed 33684294 (cited by Color Diagnostics, LLC DBA Color Health and All of Us Research Program, National Institutes of Health).

NM_004415.4(DSP):c.2436+2T>C

Gene: DSP (desmoplakin; plus strand). Cytogenetic location: 6p24.3.
Variant type: single nucleotide variant.
Coding change: c.2436+2T>C on transcript NM_004415.4 (MANE Select); the canonical splice donor site of the intron after coding-DNA position 2436, T replaced by C.
Molecular consequence: splice donor variant.
Genome position (GRCh38, 1-based): chr6:7,574,797, T>C. VCF-style: chr6-7574797-T-C. GRCh37 (hg19) VCF-style: chr6-7575030-T-C.
Other names: c.2436+2T>C (NM_001319034.2, NM_001008844.3).
Identifiers: ClinVar variation 388661 (VCV000388661.28), dbSNP rs774514264, ClinGen allele CA033304.